The following is an entry in ClinVar:

ClinVar aggregate classification (germline): Benign (0 of 4 stars; one submission).

Conditions:
DIP2A-related disorder. Also called: DIP2A-related condition.

Allele frequency attached by ClinVar (database versions not stated): gnomAD 0.00040; 1000 Genomes Project 0.00200; 1000 Genomes Project 30x 0.00203.
gnomAD v4.1: 403 of 1,614,084 alleles (0.025%); highest among the groups gnomAD compares: East Asian, 0.65%; 1 homozygote.

Submission:

PreventionGenetics, part of Exact Sciences
Classification: Benign for DIP2A-related condition. Last evaluated: 2019-04-05. Review status: no assertion criteria provided. Collection method: clinical testing. Allele origin: germline.
Comment: This variant is classified as benign based on ACMG/AMP sequence variant interpretation guidelines (Richards et al. 2015 PMID: 25741868, with internal and published modifications).

NM_015151.4(DIP2A):c.1708-5C>G

Gene: DIP2A (disco interacting protein 2 homolog A; plus strand). Cytogenetic location: 21q22.3.
Variant type: single nucleotide variant.
Coding change: c.1708-5C>G on transcript NM_015151.4 (MANE Select); 5 bases into the intron before coding-DNA position 1708, C replaced by G.
Molecular consequence: intron variant.
Genome position (GRCh38, 1-based): chr21:46,537,441, C>G. VCF-style: chr21-46537441-C-G. GRCh37 (hg19) VCF-style: chr21-47957354-C-G.
Other names: c.1708-5C>G (NM_001353943.2, NM_001410751.1, NM_206889.3 and 2 more transcripts); c.1711-5C>G (NM_001353942.2); c.1696-5C>G (NM_001146116.2); c.1579-5C>G (NM_001146115.2); c.1459-5C>G (NM_001353944.2).
Identifiers: ClinVar variation 3052984 (VCV003052984.2), dbSNP rs200136063, ClinGen allele CA10082096.